The following is an entry in ClinVar:

ClinVar aggregate classification (germline): Benign/Likely benign. Review status: criteria provided, multiple submitters, no conflicts (2 of 4 stars). 9 submissions from 7 submitters: Benign (2); Likely benign (6). 1 of the submissions does not count toward it. Last evaluated 2026-02-01.

Conditions:
SCNN1B-related disorder. Also called: SCNN1B-related condition.
Bronchiectasis with or without elevated sweat chloride 1 (BESC1). Also called: Cystic Fibrosis-Like Syndrome. Identifiers: Orphanet 60033, MedGen C2749757, MONDO:0008887, OMIM 211400.
Pseudohypoaldosteronism, type IB1, autosomal recessive. Also called: Autosomal recessive pseudohypoaldosteronism type 1; PHA I, AUTOSOMAL RECESSIVE; Pseudohypoaldosteronism, Type I, Autosomal Recessive; Pseudohypoaldosteronism, Type I, Recessive. Identifiers: Orphanet 171876, Orphanet 756, MedGen C5774176, MONDO:0009917, OMIM 264350.
Liddle syndrome 1 (LIDLS1). Also called: PSEUDOALDOSTERONISM. Identifiers: Orphanet 526, MedGen CN031472, MONDO:0020607, OMIM 177200.

Allele frequency attached by ClinVar (database versions not stated): gnomAD exomes 0.00019 and 0.00043; ExAC 0.00047; ESP Exome Variant Server 0.00141; gnomAD 0.00175 and 0.00186; TOPMed 0.00203; 1000 Genomes Project 0.00280; 1000 Genomes Project 30x 0.00297.
gnomAD v4.1: 537 of 1,612,436 alleles (0.033%); highest among the groups gnomAD compares: African/African-American, 0.66%; 4 homozygotes.

Submissions (9):

Labcorp Genetics (formerly Invitae), Labcorp
Classification: Likely benign. Last evaluated: 2026-02-01. Review status: criteria provided, single submitter. Criteria: Invitae Variant Classification Sherloc (09022015). Collection method: clinical testing. Allele origin: germline.

Mayo Clinic Laboratories, Mayo Clinic
Classification: Likely benign. Last evaluated: 2025-12-14. Review status: criteria provided, single submitter. Criteria: ACMG Guidelines, 2015. Collection method: clinical testing. Allele origin: germline. Observed: 1 variant allele.
Comment: BS1, BP4

Blueprint Genetics
Classification: Likely benign. Last evaluated: 2024-09-02. Review status: criteria provided, single submitter. Criteria: ACMG Guidelines, 2015. Collection method: clinical testing. Allele origin: germline.

Athena Diagnostics
Classification: Likely benign. Last evaluated: 2019-12-30. Review status: criteria provided, single submitter. Criteria: Athena Diagnostics Criteria. Collection method: clinical testing. Allele origin: unknown.

Illumina Laboratory Services, Illumina
Classification: Likely benign for Pseudohypoaldosteronism, type IB1, autosomal recessive. Last evaluated: 2018-01-13. Review status: criteria provided, single submitter. Criteria: ICSL Variant Classification Criteria 13 December 2019. Collection method: clinical testing. Allele origin: germline.
Comment: This variant was observed in the ICSL laboratory as part of a predisposition screen in an ostensibly healthy population. It had not been previously curated by ICSL or reported in the Human Gene Mutation Database (HGMD: prior to June 1st, 2018), and was therefore a candidate for classification through an automated scoring system. Utilizing variant allele frequency, disease prevalence and penetrance estimates, and inheritance mode, an automated score was calculated to assess if this variant is too frequent to cause the disease. Based on the score and internal cut-off values, a variant classified as likely benign is not then subjected to further curation. The score for this variant resulted in a classification of likely benign for this disease.

Illumina Laboratory Services, Illumina
Classification: Benign for Liddle syndrome 1. Last evaluated: 2018-01-13. Review status: criteria provided, single submitter. Criteria: ICSL Variant Classification Criteria 13 December 2019. Collection method: clinical testing. Allele origin: germline.
Comment: This variant was observed in the ICSL laboratory as part of a predisposition screen in an ostensibly healthy population. It had not been previously curated by ICSL or reported in the Human Gene Mutation Database (HGMD: prior to June 1st, 2018), and was therefore a candidate for classification through an automated scoring system. Utilizing variant allele frequency, disease prevalence and penetrance estimates, and inheritance mode, an automated score was calculated to assess if this variant is too frequent to cause the disease. Based on the score and internal cut-off values, a variant classified as benign is not then subjected to further curation. The score for this variant resulted in a classification of benign for this disease.

Illumina Laboratory Services, Illumina
Classification: Benign for Bronchiectasis with or without elevated sweat chloride 1. Last evaluated: 2018-01-13. Review status: criteria provided, single submitter. Criteria: ICSL Variant Classification Criteria 13 December 2019. Collection method: clinical testing. Allele origin: germline.
Comment: the same text as in the submission from Illumina Laboratory Services, Illumina above.

Breakthrough Genomics
Classification: Likely benign. Review status: criteria provided, single submitter. Criteria: ACMG Guidelines, 2015. Collection method: not provided. Allele origin: germline. Inheritance: Autosomal dominant inheritance. Affected: yes.

PreventionGenetics, part of Exact Sciences
Classification: Likely benign for SCNN1B-related condition. Last evaluated: 2020-09-02. Review status: no assertion criteria provided. Collection method: clinical testing. Allele origin: germline. Not counted in ClinVar's aggregate classification.
Comment: This variant is classified as likely benign based on ACMG/AMP sequence variant interpretation guidelines (Richards et al. 2015 PMID: 25741868, with internal and published modifications).

Literature cited by the submitters: PubMed 29580127 (cited by Athena Diagnostics).

NM_000336.3(SCNN1B):c.1883T>A (p.Leu628Gln)

Gene: SCNN1B (sodium channel epithelial 1 subunit beta; plus strand). Cytogenetic location: 16p12.2.
Variant type: single nucleotide variant.
Coding change: c.1883T>A on transcript NM_000336.3 (MANE Select); coding-DNA position 1883, T replaced by A.
Protein change: p.Leu628Gln; replaces leucine 628 with glutamine.
Molecular consequence: missense variant.
Genome position (GRCh38, 1-based): chr16:23,380,761, T>A. VCF-style: chr16-23380761-T-A. GRCh37 (hg19) VCF-style: chr16-23392082-T-A.
Other names: p.Leu628Gln; short protein forms L628Q.
Identifiers: ClinVar variation 318445 (VCV000318445.18), dbSNP rs72654356, ClinGen allele CA7960669.
Genomic context (GRCh38, chr16:23,380,761, plus strand): 5'-AGGCCCTGCCCATCCCAGGCACCCCGCCCCCCAACTATGACTCCCTGCGTCTGCAGCCGC[T>A]GGACGTCATCGAGTCTGACAGTGAGGGTGATGCCATCTAACCCTGCCCCTGCCCACCCCG-3'
Protein context (NP_000327.2, residues 618-638): PNYDSLRLQP[Leu628Gln]DVIESDSEGD